The following is an entry in ClinVar:

NM_022047.4(DEF6):c.1215+3G>A

Gene: DEF6 (DEF6 guanine nucleotide exchange factor; plus strand). Cytogenetic location: 6p21.31.
Variant type: single nucleotide variant.
Coding change: c.1215+3G>A on transcript NM_022047.4 (MANE Select); 3 bases into the intron after coding-DNA position 1215, G replaced by A.
Molecular consequence: intron variant.
Genome position (GRCh38, 1-based): chr6:35,318,474, G>A. VCF-style: chr6-35318474-G-A. GRCh37 (hg19) VCF-style: chr6-35286251-G-A.
Identifiers: ClinVar variation 1401817 (VCV001401817.4), dbSNP rs753294972, ClinGen allele CA137283031.

ClinVar aggregate classification (germline): Uncertain significance (1 of 4 stars; one submission).

Allele frequency attached by ClinVar (database versions not stated): TOPMed 0.00003; gnomAD 0.00004; gnomAD exomes 0.00004.
gnomAD v4.1: 31 of 1,412,404 alleles (0.0022%); highest among the groups gnomAD compares: Middle Eastern, 0.026%; no homozygotes.

Submission:

Labcorp Genetics (formerly Invitae), Labcorp
Classification: Uncertain significance. Last evaluated: 2022-10-18. Review status: criteria provided, single submitter. Criteria: Invitae Variant Classification Sherloc (09022015). Collection method: clinical testing. Allele origin: germline.
Comment: In summary, the available evidence is currently insufficient to determine the role of this variant in disease. Therefore, it has been classified as a Variant of Uncertain Significance. Variants that disrupt the consensus splice site are a relatively common cause of aberrant splicing (PMID: 17576681, 9536098). Algorithms developed to predict the effect of sequence changes on RNA splicing suggest that this variant is not likely to affect RNA splicing. ClinVar contains an entry for this variant (Variation ID: 1401817). This variant has not been reported in the literature in individuals affected with DEF6-related conditions. This variant is present in population databases (rs753294972, gnomAD 0.02%). This sequence change falls in intron 7 of the DEF6 gene. It does not directly change the encoded amino acid sequence of the DEF6 protein. It affects a nucleotide within the consensus splice site.

Literature cited by the submitters: PubMed 17576681; PubMed 9536098.